The following is an entry in ClinVar:

NM_000138.5(FBN1):c.1202A>T (p.Tyr401Phe)

Gene: FBN1 (fibrillin 1; minus strand). Cytogenetic location: 15q21.1.
Variant type: single nucleotide variant.
Coding change: c.1202A>T on transcript NM_000138.5 (MANE Select); coding-DNA position 1202, A replaced by T.
Protein change: p.Tyr401Phe; replaces tyrosine 401 with phenylalanine.
Molecular consequence: missense variant.
Genome position (GRCh38, 1-based): chr15:48,516,308, T>A on the plus strand (A>T on the coding strand, the complement: FBN1 is on the minus strand). VCF-style: chr15-48516308-T-A. GRCh37 (hg19) VCF-style: chr15-48808505-T-A.
Other names: c.1202A>T, p.Tyr401Phe (NM_001406716.1); short protein forms Y401F.
Identifiers: ClinVar variation 2773390 (VCV002773390.2), dbSNP rs2141331103, ClinGen allele CA392345630.

ClinVar aggregate classification (germline): Uncertain significance (1 of 4 stars; one submission).

Conditions:
Familial thoracic aortic aneurysm and aortic dissection (TAAD). Also called: Thoracic aortic aneurysms and dissections. Identifiers: Orphanet 91387, MedGen C4707243, MONDO:0019625.

Submission:

Color Diagnostics, LLC DBA Color Health
Classification: Uncertain significance for Familial thoracic aortic aneurysm and aortic dissection. Last evaluated: 2024-03-07. Review status: criteria provided, single submitter. Criteria: ACMG Guidelines, 2015. Collection method: clinical testing. Allele origin: germline.
Comment: This missense variant replaces tyrosine with phenylalanine at codon 401 of the FBN1 protein. Computational prediction suggests that this variant may not impact protein structure and function (internally defined REVEL score threshold <= 0.5, PMID: 27666373). To our knowledge, functional studies have not been reported for this variant. This variant has not been reported in individuals affected with cardiovascular disorders in the literature. This variant has not been identified in the general population by the Genome Aggregation Database (gnomAD). The available evidence is insufficient to determine the role of this variant in disease conclusively. Therefore, this variant is classified as a Variant of Uncertain Significance.